The following is an entry in ClinVar:

NM_000443.4(ABCB4):c.202G>A (p.Gly68Arg)

Gene: ABCB4 (ATP binding cassette subfamily B member 4; minus strand). Cytogenetic location: 7q21.12.
Variant type: single nucleotide variant.
Coding change: c.202G>A on transcript NM_000443.4 (MANE Select); coding-DNA position 202, G replaced by A.
Protein change: p.Gly68Arg; replaces glycine 68 with arginine.
Molecular consequence: missense variant.
Genome position (GRCh38, 1-based): chr7:87,462,842, C>T on the plus strand (G>A on the coding strand, the complement: ABCB4 is on the minus strand). VCF-style: chr7-87462842-C-T. GRCh37 (hg19) VCF-style: chr7-87092158-C-T.
Other names: c.202G>A, p.Gly68Arg (NM_018849.3, NM_018850.3); c.202G>A (NM_000443.3); short protein forms G68R.
Identifiers: ClinVar variation 3242002 (VCV003242002.7), dbSNP rs1343667900.

ClinVar aggregate classification (germline): Pathogenic/Likely pathogenic. Review status: criteria provided, multiple submitters, no conflicts (2 of 4 stars). 5 submissions from 5 submitters: Pathogenic (2); Likely pathogenic (2). 1 of the submissions does not count toward it. Last evaluated 2026-04-14.

Conditions:
Low phospholipid associated cholelithiasis (GBD1). Also called: Gallstone cholecystitis; Gallbladder disease 1. Identifiers: Orphanet 69663, MedGen C2609268, MONDO:0010939, OMIM 600803.
Familial intrahepatic cholestasis. Identifiers: Orphanet 284385, MedGen CN296401, MONDO:0017290.
ABCB4-related disorder. Also called: ABCB4-related disorders; ABCB4-related condition.
Progressive familial intrahepatic cholestasis type 3. Also called: MDR3 DEFICIENCY; Low Gamma-GT Familial Intrahepatic Cholestasis. Identifiers: Orphanet 79305, MedGen C1865643, MONDO:0011214, OMIM 602347.

Allele frequency attached by ClinVar (database versions not stated): gnomAD exomes below 0.00001.
gnomAD v4.1: 6 of 1,613,724 alleles (0.00037%); highest among the groups gnomAD compares: Admixed American, 0.0017%; no homozygotes.

Submissions (5):

Genomenon, Inc
Classification: Likely pathogenic for Familial intrahepatic cholestasis; Low phospholipid associated cholelithiasis. Last evaluated: 2026-04-14. Review status: criteria provided, single submitter. Criteria: Genomenon Sequence Variant Interpretation Standards - Updated. Collection method: curation. Allele origin: germline. Affected: yes.
Comment: ABCB4 p.Gly68Arg (c.202G>A) is a missense variant that changes the amino acid at residue 68 from Glycine to Arginine. This variant has been observed in at least one proband with an ABCB4-related disorder (PMID:36012923;33554096;24594635). The variant was found to segregate with disease in at least one affected family (PMID:24594635). At least one functional study has demonstrated a substantial alteration in protein function relative to the wild-type (PMID:24594635;26900700). It is absent or not present at a significant frequency in gnomAD. In silico models predict that this variant is possibly or probably damaging. In conclusion, we classify ABCB4 p.Gly68Arg (c.202G>A) as a likely pathogenic variant.

Victorian Clinical Genetics Services, Murdoch Childrens Research Institute
Classification: Likely pathogenic for Progressive familial intrahepatic cholestasis type 3. Last evaluated: 2024-10-08. Review status: criteria provided, single submitter. Criteria: ACMG Guidelines, 2015. Collection method: clinical testing. Allele origin: germline. Affected: yes.
Comment: This variant is classified as Likely pathogenic. Evidence in support of pathogenic classification: Variant is present in gnomAD <0.01 (v4: 6 heterozygote(s), 0 homozygote(s)); This variant has moderate previous evidence of pathogenicity in unrelated individuals. It has been reported in homozygous and compound heterozygous individuals with PFIC type 3, and in one heterozygous individual with LPAC (PMIDs: 24594635, 36012923, 33554096). In addition, it has been classified as pathogenic once by a clinical laboratory (ClinVar); This variant has moderate functional evidence supporting abnormal protein function. In vitro studies demonstrated a reduction of protein localisation to the apical membrane. In addition, the protein's retention with the ER is suggestive of increased protein degradation, which is supported by reduced protein abundance in whole cell lysates (PMID: 24594635); Missense variant consistently predicted to be damaging by in silico tool or highly conserved with a major amino acid change. Additional information: Variant is predicted to result in a missense amino acid change from glycine to arginine. - This variant is heterozygous; This gene is associated with both recessive and dominant disease. PFIC is inherited in a recessive manner, whereas ICP-3 and LPAC can be either dominant or recessive. Biallelic variants typically demonstrate less residual protein activity, resulting in earlier onset of the condition with a more severe phenotype (OMIM, PMID: 24806754, PMID: 32376413); No comparable missense variants have previous evidence for pathogenicity; Variant is located in the annotated ABC transporter transmembrane region (DECIPHER); Loss of function is a known mechanism of disease in this gene and is associated with intrahepatic cholestasis of pregnancy 3 (ICP-3) (MIM#614972), gallbladder disease 1 (low phospholipid-associated cholelithiasis (LPAC)) (MIM#600803) and progressive familial intrahepatic cholestasis 3 (PFIC) (MIM#602347); Inheritance information for this variant is not currently available in this individual.

Neuberg Centre For Genomic Medicine, NCGM
Classification: Pathogenic for Progressive familial intrahepatic cholestasis type 3. Last evaluated: 2024-02-01. Review status: criteria provided, single submitter. Criteria: ACMG Guidelines, 2015. Collection method: clinical testing. Allele origin: germline. Inheritance: Autosomal recessive inheritance. Affected: yes.
Comment: The observed missense c.202G>A (p.Gly68Arg) variant in the ABCB4 gene has been reported previously in homozygous state in individuals affected with Progressive familial intrahepatic cholestasis type 3 (PFIC3). Experimental studies shows that this mutation leads to misfolded proteins which, typically, exhibit abnormal trafficking and are prematurely degraded by the ERassociated protein degradation (Gordo-Gilart et al., 2015, Gordo-Gilart, Raquel et al., 2016a, 2016b). This variant is reported with the allele frequency of 0.0004% in the gnomAD Exomes. The amino acid Glycine at position 68 is changed to a Arginine changing protein sequence and it might alter its composition and physico-chemical properties. Multiple lines of computational evidence (Polyphen-possibly damaging, SIFT-damaging and MutationTaster-disease causing) predict a damaging effect on protein structure and function for this variant.The variant is predicted as damaging by SIFT. The amino acid change p.Gly68Arg in ABCB4 is predicted as conserved by GERP++ and PhyloP across 100 vertebrates. For these reasons, this variant has been classified as Pathogenic.

Blueprint Genetics
Classification: Pathogenic for ABCB4-related disorders. Last evaluated: 2022-05-31. Review status: criteria provided, single submitter. Criteria: ACMG Guidelines, 2015. Collection method: clinical testing. Allele origin: germline. Affected: yes. Observed: 2 variant alleles.

PreventionGenetics, part of Exact Sciences
Classification: Pathogenic for ABCB4-related condition. Last evaluated: 2024-08-07. Review status: no assertion criteria provided. Collection method: clinical testing. Allele origin: germline. Not counted in ClinVar's aggregate classification.
Comment: The ABCB4 c.202G>A variant is predicted to result in the amino acid substitution p.Gly68Arg. This variant has been reported in the homozygous and compound heterozygous states in individuals with progressive familial intrahepatic cholestasis type 3; one of the individuals showed absence of MDR3 staining (Gordo-Gilart et al 2015. PubMed ID: 24594635; Supplementary Table S1 in Zheng et al. 2023. PubMed ID: 37314652). Functional studies revealed that this variant led to intracellular retention of the protein in endoplasmic reticulum and caused marked reduction in MDR3 expression (15% of wild-type) (Gordo-Gilart et al 2015. PubMed ID: 24594635). This variant is reported in 0.00088% of alleles in individuals of European (Non-Finnish) descent in gnomAD. This variant is interpreted as pathogenic.

Literature cited by the submitters: PubMed 36012923 (cited by Genomenon, Inc and Victorian Clinical Genetics Services, Murdoch Childrens Research Institute); PubMed 33554096 (cited by Genomenon, Inc and Victorian Clinical Genetics Services, Murdoch Childrens Research Institute); PubMed 24594635 (cited by Genomenon, Inc and Victorian Clinical Genetics Services, Murdoch Childrens Research Institute); PubMed 26900700 (cited by Genomenon, Inc); PubMed 24806754 (cited by Victorian Clinical Genetics Services, Murdoch Childrens Research Institute); PubMed 32376413 (cited by Victorian Clinical Genetics Services, Murdoch Childrens Research Institute).